The following is an entry in ClinVar:

ClinVar aggregate classification (germline): Pathogenic (1 of 4 stars; one submission).

Conditions:
Nemaline myopathy 2 (NEM2). Also called: Nemaline myopathy 2, autosomal recessive. Identifiers: MedGen C1850569, MONDO:0009725, OMIM 256030.

Submission:

Myriad Genetics, Inc.
Classification: Pathogenic for Nemaline myopathy 2. Last evaluated: 2025-08-26. Review status: criteria provided, single submitter. Criteria: Myriad Autosomal Dominant, Autosomal Recessive and X-Linked Classification Criteria (2023). Collection method: clinical testing. Allele origin: unknown.
Comment: NM_001271208.1(NEB):c.5425dupA(R1809Kfs*4) is expected to be pathogenic in the context of NEB-related nemaline myopathy. This variant is predicted to lead to an abnormal or absent protein product due to the creation of a premature termination codon in NEB, a gene where loss-of-function variants are known to be pathogenic. Please note: this variant was assessed in the context of healthy population screening.

NM_001164508.2(NEB):c.5425dup (p.Arg1809fs)

Gene: NEB (nebulin; minus strand). Cytogenetic location: 2q23.3.
Variant type: Duplication.
Coding change: c.5425dup on transcript NM_001164508.2 (MANE Select); coding-DNA position 5425, one base duplicated (A; older notation c.5425dupA).
Protein change: p.Arg1809fs; shifts the reading frame from arginine 1809.
Molecular consequence: frameshift variant.
Genome position (GRCh38, 1-based): chr2:151,664,527, T duplicated on the plus strand (A on the coding strand, the reverse complement: NEB is on the minus strand); the first of 2 consecutive T bases (chr2:151,664,527-151,664,528); duplicating either gives the same sequence. VCF-style (leftmost placement, unchanged base first): chr2-151664526-C-CT. GRCh37 (hg19) VCF-style: chr2-152521040-C-CT.
Other names: c.5425dup, p.Arg1809fs (NM_001164507.2, NM_001271208.2, NM_004543.5); short protein forms R1809fs.
Identifiers: ClinVar variation 5014917 (VCV005014917.1).